The following is an entry in ClinVar:

NM_001082538.3(TCTN1):c.1775_1778del (p.Val592fs)

Gene: TCTN1 (tectonic family member 1; plus strand). Cytogenetic location: 12q24.11.
Variant type: Microsatellite.
Coding change: c.1775_1778del on transcript NM_001082538.3 (MANE Select); coding-DNA positions 1775 to 1778, 4 bases deleted (TTTG; older notation c.1775_1778delTTTG).
Protein change: p.Val592fs; shifts the reading frame from valine 592.
Molecular consequence: frameshift variant. On other transcripts: non-coding transcript variant (1).
Genome position (GRCh38, 1-based): chr12:110,647,888-110,647,891, TTTG deleted; deleting any 4 consecutive bases within chr12:110,647,883-110,647,891 gives the same sequence; the c. name uses the placement nearest the transcript's 3' end. VCF-style (leftmost placement, unchanged base first): chr12-110647882-CGTTT-C. GRCh37 (hg19) VCF-style: chr12-111085687-CGTTT-C.
Other names: c.1760_1763del, p.Val587fs (NM_001082537.3); c.1592_1595del, p.Val531fs (NM_001173975.3); c.1448_1451del, p.Val483fs (NM_001173976.2); c.1613_1616del, p.Val538fs (NM_001319680.2); c.1226_1229del, p.Val409fs (NM_001319681.2); c.1718_1721del, p.Val573fs (NM_024549.6); short protein forms V483fs, V592fs, V409fs, V538fs, V573fs, V531fs, V587fs.
Identifiers: ClinVar variation 1454973 (VCV001454973.8), dbSNP rs1353535488, ClinGen allele CA607326562.
Genomic context (GRCh38, chr12:110,647,882, plus strand): 5'-AGGCAGGCTTCAGAGCTCCACCAGCCATCAATGCCAGGCTGCCCTTTAACTTCTTCTTCC[CGTTT>C]GTTTGACGTAAGTGAGGAAACTACGCCCCTCCTCTGAGGTCATCCCCTTTGGAAAGTGTG-3'

ClinVar aggregate classification (germline): Pathogenic/Likely pathogenic. Review status: criteria provided, multiple submitters, no conflicts (2 of 4 stars). 2 submissions from 2 submitters: Pathogenic (1); Likely pathogenic (1). Last evaluated 2026-03-17.

Conditions:
Meckel-Gruber syndrome. Also called: Dysencephalia splachnocystica; DYSENCEPHALIA SPLANCHNOCYSTICA; GRUBER SYNDROME. Identifiers: Orphanet 564, MedGen C0265215, MONDO:0018921.
Joubert syndrome. Also called: JOUBERT-BOLTSHAUSER SYNDROME; Familial aplasia of the vermis. Identifiers: Orphanet 475, MedGen C5979921, MONDO:0018772.

Submissions (2):

Dasa
Classification: Likely pathogenic. Last evaluated: 2026-03-17. Review status: criteria provided, single submitter. Criteria: DASA Assertion Criteria. Collection method: clinical testing. Allele origin: germline.
Comment: NM_001082538.3(TCTN1):c.1775_1778del (p.Val592delinsAspAsnAlaGlnMetHisGlnPheLeuAsnIleHisValLysPheGluAsnCysThrPheGlyGluIleLysPheTyrIleGlnLeuAlaIleValGlnLeuCysCysSerPheSerIleLysAlaLysValPheAsnMetArgLysCysAspThrPheAspThrValTrpGlyGlySerGlyTrpAlaAlaLeuGlyGlyThrGlyProSerThrArgLeuCysProProArgIleHisAlaGlyArgArgGluAlaGluValSerAsnGlnThrSerHisGlnAlaAlaGlnGluGlyGlnLeuPheLeuSer*) is a nonsense variant in TCTN1 predicted to introduce a premature termination codon. This variant has been reported in individuals with TCTN1-related disorders (PMID: 26489806). Also, this variant is absent from population databases. Based on the currently available evidence, this variant is classified as likely pathogenic.

Labcorp Genetics (formerly Invitae), Labcorp
Classification: Pathogenic for Joubert syndrome; Meckel-Gruber syndrome. Last evaluated: 2024-10-23. Review status: criteria provided, single submitter. Criteria: Invitae Variant Classification Sherloc (09022015). Collection method: clinical testing. Allele origin: germline.
Comment: This sequence change results in a frameshift in the TCTN1 gene (p.Val592Aspfs*). While this is not anticipated to result in nonsense mediated decay, it is expected to disrupt the last 1 amino acid(s) of the TCTN1 protein and extend the protein by an uncertain number of additional amino acid residues. This variant is present in population databases (no rsID available, gnomAD no frequency). This frameshift has been observed in individual(s) with Joubert syndrome and/or TCTN1-related conditions (PMID: 26489806; internal data). This variant is also known as c.1718_1721delTTTG, p.V573Dfs*?. For these reasons, this variant has been classified as Pathogenic.

Literature cited by the submitters: PubMed 26489806 (cited by Dasa and Labcorp Genetics (formerly Invitae), Labcorp).